The following is an entry in ClinVar:

NM_007118.4(TRIO):c.1732-7A>G

Gene: TRIO (trio Rho guanine nucleotide exchange factor; plus strand). Cytogenetic location: 5p15.2.
Variant type: single nucleotide variant.
Coding change: c.1732-7A>G on transcript NM_007118.4 (MANE Select); 7 bases into the intron before coding-DNA position 1732, A replaced by G.
Molecular consequence: intron variant.
Genome position (GRCh38, 1-based): chr5:14,330,771, A>G. VCF-style: chr5-14330771-A-G. GRCh37 (hg19) VCF-style: chr5-14330880-A-G.
Identifiers: ClinVar variation 3251331 (VCV003251331.1), dbSNP rs201714018.

ClinVar aggregate classification (germline): Uncertain significance (1 of 4 stars; one submission).

Allele frequency attached by ClinVar (database versions not stated): TOPMed below 0.00001; gnomAD 0.00001; gnomAD exomes 0.00001.
gnomAD v4.1: 6 of 1,613,600 alleles (0.00037%); highest among the groups gnomAD compares: Non-Finnish European, 0.00051%; no homozygotes.

Submission:

Women's Health and Genetics/Laboratory Corporation of America, LabCorp
Classification: Uncertain significance. Last evaluated: 2024-04-12. Review status: criteria provided, single submitter. Criteria: LabCorp Variant Classification Summary - May 2015. Collection method: clinical testing. Allele origin: germline.
Comment: Variant summary: TRIO c.1732-7A>G alters a non-conserved nucleotide located close to a canonical splice site and therefore could affect mRNA splicing, leading to a significantly altered protein sequence. Consensus agreement among computation tools predict no significant impact on normal splicing. However, these predictions have yet to be confirmed by functional studies. The variant allele was found at a frequency of 8e-06 in 251114 control chromosomes. The available data on variant occurrences in the general population are insufficient to allow any conclusion about variant significance. To our knowledge, no occurrence of c.1732-7A>G in individuals affected with TRIO-Related Intellectual Disability and no experimental evidence demonstrating its impact on protein function have been reported. No submitters have cited clinical-significance assessments for this variant to ClinVar. Based on the evidence outlined above, the variant was classified as uncertain significance.